The following is an entry in ClinVar:

NM_002880.4(RAF1):c.1248C>G (p.Asn416Lys)

Gene: RAF1 (Raf-1 proto-oncogene, serine/threonine kinase; minus strand). Cytogenetic location: 3p25.2.
Variant type: single nucleotide variant.
Coding change: c.1248C>G on transcript NM_002880.4 (MANE Select); coding-DNA position 1248, C replaced by G.
Protein change: p.Asn416Lys; replaces asparagine 416 with lysine.
Molecular consequence: missense variant. On other transcripts: non-coding transcript variant (3).
Genome position (GRCh38, 1-based): chr3:12,590,920, G>C on the plus strand (C>G on the coding strand, the complement: RAF1 is on the minus strand). VCF-style: chr3-12590920-G-C. GRCh37 (hg19) VCF-style: chr3-12632419-G-C.
Other names: c.1308C>G, p.Asn436Lys (NM_001354689.3); c.1248C>G, p.Asn416Lys (NM_001354690.3); c.1005C>G, p.Asn335Lys (NM_001354691.3, NM_001354692.3); c.1149C>G, p.Asn383Lys (NM_001354693.3); c.1065C>G, p.Asn355Lys (NM_001354694.3); c.906C>G, p.Asn302Lys (NM_001354695.3); short protein forms N302K, N335K, N355K, N383K, N416K, N436K.
Identifiers: ClinVar variation 3360691 (VCV003360691.1).

ClinVar aggregate classification (germline): Uncertain significance (1 of 4 stars; one submission).

Submission:

GeneDx
Classification: Uncertain significance. Last evaluated: 2023-06-29. Review status: criteria provided, single submitter. Criteria: GeneDx Variant Classification Process June 2021. Collection method: clinical testing. Allele origin: germline. Affected: yes.
Comment: Not observed at significant frequency in large population cohorts (gnomAD); Missense variants in this gene are often considered pathogenic (HGMD); In silico analysis supports that this missense variant does not alter protein structure/function; Has not been previously published as pathogenic or benign to our knowledge